The following is an entry in ClinVar:

ClinVar aggregate classification (germline): Uncertain significance (1 of 4 stars; one submission).

Submission:

Labcorp Genetics (formerly Invitae), Labcorp
Classification: Uncertain significance. Last evaluated: 2021-09-29. Review status: criteria provided, single submitter. Criteria: Invitae Variant Classification Sherloc (09022015). Collection method: clinical testing. Allele origin: germline.
Comment: This sequence change replaces serine with glycine at codon 83 of the CFB protein (p.Ser83Gly). The serine residue is moderately conserved and there is a small physicochemical difference between serine and glycine. This variant is not present in population databases (ExAC no frequency). This variant has not been reported in the literature in individuals affected with CFB-related conditions. Algorithms developed to predict the effect of missense changes on protein structure and function are either unavailable or do not agree on the potential impact of this missense change (SIFT: "Deleterious"; PolyPhen-2: "Possibly Damaging"; Align-GVGD: "Class C0"). In summary, the available evidence is currently insufficient to determine the role of this variant in disease. Therefore, it has been classified as a Variant of Uncertain Significance.

NM_001710.6(CFB):c.247A>G (p.Ser83Gly)

Gene: CFB (complement factor B; plus strand). Cytogenetic location: 6p21.33.
Variant type: single nucleotide variant.
Coding change: c.247A>G on transcript NM_001710.6 (MANE Select); coding-DNA position 247, A replaced by G.
Protein change: p.Ser83Gly; replaces serine 83 with glycine.
Molecular consequence: missense variant.
Genome position (GRCh38, 1-based): chr6:31,946,555, A>G. VCF-style: chr6-31946555-A-G. GRCh37 (hg19) VCF-style: chr6-31914332-A-G.
Other names: short protein forms S83G.
Identifiers: ClinVar variation 1383679 (VCV001383679.6), dbSNP rs2151780440, ClinGen allele CA363389407.
Genomic context (GRCh38, chr6:31,946,555, plus strand): 5'-CCTTCTGGCTTCTACCCGTACCCTGTGCAGACACGTACCTGCAGATCTACGGGGTCCTGG[A>G]GCACCCTGAAGACTCAAGACCAAAAGACTGTCAGGAAGGCAGAGTGCAGAGGTTTGAGGG-3'
Protein context (NP_001701.2, residues 73-93): TRTCRSTGSW[Ser83Gly]TLKTQDQKTV